The following is an entry in ClinVar:

NM_002734.5(PRKAR1A):c.503-1G>A

Gene: PRKAR1A (protein kinase cAMP-dependent type I regulatory subunit alpha; plus strand). Cytogenetic location: 17q24.2.
Variant type: single nucleotide variant.
Coding change: c.503-1G>A on transcript NM_002734.5 (MANE Select); the canonical splice acceptor site of the intron before coding-DNA position 503, G replaced by A.
Molecular consequence: splice acceptor variant.
Genome position (GRCh38, 1-based): chr17:68,524,911, G>A. VCF-style: chr17-68524911-G-A. GRCh37 (hg19) VCF-style: chr17-66521052-G-A.
Other names: NC_000017.10:g.66521052G>A; c.503-1G>A (NM_002734.3, NM_001278433.2, NM_001369389.1 and 5 more transcripts).
Identifiers: ClinVar variation 4425973 (VCV004425973.2).

ClinVar aggregate classification (germline): Likely pathogenic (1 of 4 stars; one submission).

Conditions:
Hereditary cancer-predisposing syndrome. Also called: Neoplastic Syndromes, Hereditary; Tumor predisposition; Hereditary Cancer Syndrome; Hereditary neoplastic syndrome. Identifiers: Orphanet 140162, MedGen C0027672, MeSH D009386, MONDO:0015356.

Submissions (2):

Ambry Genetics
Classification: Likely pathogenic for Hereditary cancer-predisposing syndrome. Last evaluated: 2026-06-25. Review status: criteria provided, single submitter. Criteria: Ambry Variant Classification Scheme 2023. Collection method: clinical testing. Allele origin: germline.
Comment: The c.503-1G>A intronic variant results from a G to A substitution one nucleotide upstream from coding exon 5 of the PRKAR1A gene. This variant is considered to be rare based on population cohorts in the Genome Aggregation Database (gnomAD). This nucleotide position is highly conserved in available vertebrate species. In silico splice site analysis predicts that this alteration will weaken the native splice acceptor site and will result in the creation or strengthening of a novel splice acceptor site; however, direct evidence is insufficient at this time (Ambry internal data). Alterations that disrupt the canonical splice site are expected to cause aberrant splicing, resulting in an abnormal protein or a transcript that is subject to nonsense-mediated mRNA decay. Based on the supporting evidence, this variant is likely pathogenic for Carney complex; however, the association of this variant with acrodysostosis is unknown.

Dr. Peter K. Rogan Lab, Western University
No classification provided (evidence only). Condition: Adrenocortical carcinoma, hereditary. Review status: no classification provided. Collection method: in vitro. Allele origin: not applicable. Functional consequence: skipped exon, retained intron. Not counted in ClinVar's aggregate classification.